The following is an entry in ClinVar:

ClinVar aggregate classification (germline): Uncertain significance (1 of 4 stars; one submission).

Conditions:
KCNQ4-related disorder. Also called: KCNQ4-related condition.

Submission:

PreventionGenetics, part of Exact Sciences
Classification: Uncertain significance for KCNQ4-related condition. Last evaluated: 2025-06-17. Review status: criteria provided, single submitter. Criteria: ACMG Guidelines, 2015. Collection method: clinical testing. Allele origin: germline.
Comment: The KCNQ4 c.834_834+1insTTGCG variant is predicted to result in a frameshift and premature protein termination (p.Ile279Leufs*5). To our knowledge, this variant has not been reported in the literature or in a large population database (gnomAD), indicating this variant is rare. Although we suspect that this variant may be pathogenic, at this time, the clinical significance of this variant is uncertain due to the absence of conclusive functional and genetic evidence.

NM_004700.4(KCNQ4):c.834_835insTTGCG (p.Ile279fs)

Gene: KCNQ4 (potassium voltage-gated channel subfamily Q member 4; plus strand). Cytogenetic location: 1p34.2.
Variant type: Insertion.
Coding change: c.834_835insTTGCG on transcript NM_004700.4 (MANE Select); coding-DNA positions 834 to 835, TTGCG inserted.
Protein change: p.Ile279fs; shifts the reading frame from isoleucine 279.
Molecular consequence: frameshift variant.
Genome position: GRCh38 VCF-style: chr1-40819470-A-ACGTTG. GRCh37 (hg19) VCF-style: chr1-41285142-A-ACGTTG.
Other names: c.834_835insTTGCG, p.Ile279fs (NM_172163.3); short protein forms I279fs.
Identifiers: ClinVar variation 4996808 (VCV004996808.1).